The following is an entry in ClinVar:

ClinVar aggregate classification (germline): Uncertain significance. Review status: criteria provided, multiple submitters, no conflicts (2 of 4 stars). 2 submissions from 2 submitters: Uncertain significance (2). Last evaluated 2025-07-02.

Submissions (2):

Labcorp Genetics (formerly Invitae), Labcorp
Classification: Uncertain significance. Last evaluated: 2025-07-02. Review status: criteria provided, single submitter. Criteria: Invitae Variant Classification Sherloc (09022015). Collection method: clinical testing. Allele origin: germline.
Comment: This sequence change falls in intron 1 of the ROM1 gene. It does not directly change the encoded amino acid sequence of the ROM1 protein. It affects a nucleotide within the consensus splice site. This variant is present in population databases (rs755775400, gnomAD 0.07%), and has an allele count higher than expected for a pathogenic variant. This variant has not been reported in the literature in individuals affected with ROM1-related conditions. ClinVar contains an entry for this variant (Variation ID: 938754). Variants that disrupt the consensus splice site are a relatively common cause of aberrant splicing (PMID: 17576681, 9536098). Algorithms developed to predict the effect of sequence changes on RNA splicing suggest that this variant may disrupt the consensus splice site. In summary, the available evidence is currently insufficient to determine the role of this variant in disease. Therefore, it has been classified as a Variant of Uncertain Significance.

Blueprint Genetics
Classification: Uncertain significance. Last evaluated: 2024-11-19. Review status: criteria provided, single submitter. Criteria: ACMG Guidelines, 2015. Collection method: clinical testing. Allele origin: germline.

Literature cited by the submitters: PubMed 17576681 (cited by Labcorp Genetics (formerly Invitae), Labcorp); PubMed 9536098 (cited by Labcorp Genetics (formerly Invitae), Labcorp).

NM_000327.4(ROM1):c.590+5_590+8del

Gene: ROM1 (retinal outer segment membrane protein 1; plus strand). Cytogenetic location: 11q12.3.
Variant type: Microsatellite.
Coding change: c.590+5_590+8del on transcript NM_000327.4 (MANE Select); bases 5 to 8 of the intron after coding-DNA position 590, 4 bases deleted (GTGA; older notation c.590+5_590+8delGTGA).
Molecular consequence: splice donor variant.
Genome position (GRCh38, 1-based): chr11:62,613,876-62,613,879, GTGA deleted; deleting any 4 consecutive bases within chr11:62,613,869-62,613,879 gives the same sequence; the c. name uses the placement nearest the transcript's 3' end. VCF-style (leftmost placement, unchanged base first): chr11-62613868-CTGAG-C. GRCh37 (hg19) VCF-style: chr11-62381340-CTGAG-C.
Identifiers: ClinVar variation 938754 (VCV000938754.8), dbSNP rs755775400, ClinGen allele CA6049772.
Genomic context (GRCh38, chr11:62,613,868, plus strand): 5'-ATTGGTTTGGGGTCCAGTGGGTCAGCAGCCGTTACCTGGATCCCGGTGACCGGGATGTGG[CTGAG>C]TGAGTGATTTGCGTCTCCCTTCCTCCTCCTCCTCCTCCCTGGACAGGCTCCCTCCTGCTG-3'